The following is an entry in ClinVar:

ClinVar aggregate classification (germline): Uncertain significance (1 of 4 stars; one submission).

Allele frequency attached by ClinVar (database versions not stated): gnomAD exomes below 0.00001.
gnomAD v4.1: 1 of 1,601,152 alleles (0.000062%); highest among the groups gnomAD compares: Admixed American, 0.0017%; no homozygotes.

Submission:

Labcorp Genetics (formerly Invitae), Labcorp
Classification: Uncertain significance. Last evaluated: 2022-10-02. Review status: criteria provided, single submitter. Criteria: Invitae Variant Classification Sherloc (09022015). Collection method: clinical testing. Allele origin: germline.
Comment: The frequency data for this variant in the population databases is considered unreliable, as metrics indicate poor data quality at this position in the gnomAD database. This sequence change replaces glycine, which is neutral and non-polar, with glutamic acid, which is acidic and polar, at codon 470 of the EXOC6B protein (p.Gly470Glu). This variant has not been reported in the literature in individuals affected with EXOC6B-related conditions. In summary, the available evidence is currently insufficient to determine the role of this variant in disease. Therefore, it has been classified as a Variant of Uncertain Significance. Experimental studies and prediction algorithms are not available or were not evaluated, and the functional significance of this variant is currently unknown.

NM_015189.3(EXOC6B):c.1409G>A (p.Gly470Glu)

Gene: EXOC6B (exocyst complex component 6B; minus strand). Cytogenetic location: 2p13.2.
Variant type: single nucleotide variant.
Coding change: c.1409G>A on transcript NM_015189.3 (MANE Select); coding-DNA position 1409, G replaced by A.
Protein change: p.Gly470Glu; replaces glycine 470 with glutamic acid.
Molecular consequence: missense variant. On other transcripts: non-coding transcript variant (2).
Genome position (GRCh38, 1-based): chr2:72,496,488, C>T on the plus strand (G>A on the coding strand, the complement: EXOC6B is on the minus strand). VCF-style: chr2-72496488-C-T. GRCh37 (hg19) VCF-style: chr2-72723617-C-T.
Other names: c.1409G>A, p.Gly470Glu (NM_001321729.2, NM_001321730.2, NM_001321731.2 and 1 more transcripts); c.1070G>A, p.Gly357Glu (NM_001321734.2); short protein forms G470E, G357E.
Identifiers: ClinVar variation 2175726 (VCV002175726.3), dbSNP rs1400711134, ClinGen allele CA347429524.